The following is an entry in ClinVar:

ClinVar aggregate classification (germline): Uncertain significance (1 of 4 stars; one submission).

Allele frequency attached by ClinVar (database versions not stated): gnomAD exomes below 0.00001; gnomAD 0.00001; TOPMed 0.00002; 1000 Genomes Project 30x 0.00031.
gnomAD v4.1: 3 of 1,550,324 alleles (0.00019%); highest among the groups gnomAD compares: African/African-American, 0.0027%; no homozygotes.

Submission:

Labcorp Genetics (formerly Invitae), Labcorp
Classification: Uncertain significance. Last evaluated: 2024-09-13. Review status: criteria provided, single submitter. Criteria: Invitae Variant Classification Sherloc (09022015). Collection method: clinical testing. Allele origin: germline.
Comment: This sequence change replaces phenylalanine, which is neutral and non-polar, with leucine, which is neutral and non-polar, at codon 2825 of the ZNF469 protein (p.Phe2825Leu). This variant is present in population databases (no rsID available, gnomAD 0.004%). This variant has not been reported in the literature in individuals affected with ZNF469-related conditions. ClinVar contains an entry for this variant (Variation ID: 1950438). An algorithm developed to predict the effect of missense changes on protein structure and function outputs the following: PolyPhen-2: "Benign". The leucine amino acid residue is found in multiple mammalian species, which suggests that this missense change does not adversely affect protein function. In summary, the available evidence is currently insufficient to determine the role of this variant in disease. Therefore, it has been classified as a Variant of Uncertain Significance.

NM_001367624.2(ZNF469):c.8559T>G (p.Phe2853Leu)

Gene: ZNF469 (zinc finger protein 469; plus strand). Cytogenetic location: 16q24.2.
Variant type: single nucleotide variant.
Coding change: c.8559T>G on transcript NM_001367624.2 (MANE Select); coding-DNA position 8559, T replaced by G.
Protein change: p.Phe2853Leu; replaces phenylalanine 2853 with leucine.
Molecular consequence: missense variant.
Genome position (GRCh38, 1-based): chr16:88,436,029, T>G. VCF-style: chr16-88436029-T-G. GRCh37 (hg19) VCF-style: chr16-88502437-T-G.
Other names: short protein forms F2853L.
Identifiers: ClinVar variation 1950438 (VCV001950438.5), dbSNP rs944223887, ClinGen allele CA286384227.
Genomic context (GRCh38, chr16:88,436,029, plus strand): 5'-GCCTGAAGGCCCCACTCCTGATGCCTCTGGCTCCAGTGCCAAGGATCCTCCAAGCTTGTT[T>G]GATGATGAGGTCTCTTTCTCCCAGCTCTTCCCTCCAGGCGGTCGCTTGACTAGAAAGAGG-3'
Protein context (NP_001354553.1, residues 2843-2863): GSSAKDPPSL[Phe2853Leu]DDEVSFSQLF